The following is an entry in ClinVar:

ClinVar aggregate classification (germline): Uncertain significance. Review status: criteria provided, multiple submitters, no conflicts (2 of 4 stars). 3 submissions from 3 submitters: Uncertain significance (3). Last evaluated 2025-11-03.

Conditions:
Cardiomyopathy (CMYO). Also called: Cardiomyopathies. Identifiers: Orphanet 167848, MedGen C0878544, MONDO:0004994, HP:0001638. Inheritance: Various modes of inheritance.
Hypertrophic cardiomyopathy. Also called: HYPERTROPHIC MYOCARDIOPATHY. Identifiers: Orphanet 217569, MedGen C0007194, MeSH D002312, MONDO:0005045, HP:0001639.

Allele frequency attached by ClinVar (database versions not stated): gnomAD 0.00001; TOPMed 0.00001.
gnomAD v4.1: 50 of 1,613,990 alleles (0.0031%); highest among the groups gnomAD compares: Non-Finnish European, 0.0042%; no homozygotes.

Submissions (3):

Color Diagnostics, LLC DBA Color Health
Classification: Uncertain significance for Cardiomyopathy. Last evaluated: 2025-11-03. Review status: criteria provided, single submitter. Criteria: ACMG Guidelines, 2015. Collection method: clinical testing. Allele origin: germline.
Comment: This missense variant replaces leucine with valine at codon 60 of the MYL3 protein. Computational prediction suggests that this variant may have a deleterious impact on protein structure and function. To our knowledge, functional studies have not been reported for this variant. This variant has not been reported in individuals affected with MYL3-related disorders in the literature. This variant has not been identified in the general population by the Genome Aggregation Database (gnomAD). The available evidence is insufficient to determine the role of this variant in disease conclusively. Therefore, this variant is classified as a Variant of Uncertain Significance.

Labcorp Genetics (formerly Invitae), Labcorp
Classification: Uncertain significance for Hypertrophic cardiomyopathy. Last evaluated: 2023-06-25. Review status: criteria provided, single submitter. Criteria: Invitae Variant Classification Sherloc (09022015). Collection method: clinical testing. Allele origin: germline.
Comment: This sequence change replaces leucine, which is neutral and non-polar, with valine, which is neutral and non-polar, at codon 60 of the MYL3 protein (p.Leu60Val). This variant is not present in population databases (gnomAD no frequency). This variant has not been reported in the literature in individuals affected with MYL3-related conditions. ClinVar contains an entry for this variant (Variation ID: 923689). An algorithm developed to predict the effect of missense changes on protein structure and function (PolyPhen-2) suggests that this variant is likely to be disruptive. In summary, the available evidence is currently insufficient to determine the role of this variant in disease. Therefore, it has been classified as a Variant of Uncertain Significance.

All of Us Research Program, National Institutes of Health
Classification: Uncertain significance for Hypertrophic cardiomyopathy. Last evaluated: 2023-04-03. Review status: criteria provided, single submitter. Criteria: ACMG Guidelines, 2015. Collection method: clinical testing. Allele origin: germline. Inheritance: Autosomal dominant inheritance. Observed: 1 variant allele, 1 heterozygote.
Comment: This missense variant replaces leucine with valine at codon 60 of the MYL3 protein. Computational prediction is inconclusive regarding the impact of this variant on protein structure and function (internally defined REVEL score threshold 0.5 < inconclusive < 0.7, PMID: 27666373). To our knowledge, functional studies have not been reported for this variant. This variant has not been reported in individuals affected with cardiovascular disorders in the literature. This variant has not been identified in the general population by the Genome Aggregation Database (gnomAD). The available evidence is insufficient to determine the role of this variant in disease conclusively. Therefore, this variant is classified as a Variant of Uncertain Significance.

This study involves interpretation of variants in research participants for the purpose of population health screening. Participant phenotype was not available at the time of variant classification. Additional details can be found in publication PMID: 35346344, PMCID: PMC8962531

NM_000258.3(MYL3):c.178C>G (p.Leu60Val)

Gene: MYL3 (myosin light chain 3; minus strand). Cytogenetic location: 3p21.31.
Variant type: single nucleotide variant.
Coding change: c.178C>G on transcript NM_000258.3 (MANE Select); coding-DNA position 178, C replaced by G.
Protein change: p.Leu60Val; replaces leucine 60 with valine.
Molecular consequence: missense variant.
Genome position (GRCh38, 1-based): chr3:46,860,805, G>C on the plus strand (C>G on the coding strand, the complement: MYL3 is on the minus strand). VCF-style: chr3-46860805-G-C. GRCh37 (hg19) VCF-style: chr3-46902295-G-C.
Other names: short protein forms L60V.
Identifiers: ClinVar variation 923689 (VCV000923689.9), dbSNP rs1367233580, ClinGen allele CA352498602.